The following is an entry in ClinVar:

NM_001166108.2(PALLD):c.3365G>A (p.Arg1122Gln)

Genes: CBR4 (carbonyl reductase 4; minus strand), PALLD (palladin, cytoskeletal associated protein; plus strand). Cytogenetic location: 4q32.3.
Variant type: single nucleotide variant.
Coding change: c.3365G>A on transcript NM_001166108.2 (MANE Select); coding-DNA position 3365, G replaced by A.
Protein change: p.Arg1122Gln; replaces arginine 1122 with glutamine.
Molecular consequence: missense variant. On other transcripts: intron variant (4).
Genome position (GRCh38, 1-based): chr4:168,925,239, G>A. VCF-style: chr4-168925239-G-A. GRCh37 (hg19) VCF-style: chr4-169846390-G-A.
Other names: c.1193G>A, p.Arg398Gln (NM_001367567.1); c.1244G>A, p.Arg415Gln (NM_001367570.1); c.3314G>A, p.Arg1105Gln (NM_016081.4); c.2161+161G>A (NM_001166109.2); c.1846+161G>A (NM_001166110.2); c.1237+161G>A (NM_001367568.1); c.1186+161G>A (NM_001367569.1); short protein forms R1105Q, R398Q, R1122Q, R415Q.
Identifiers: ClinVar variation 1730121 (VCV001730121.4), dbSNP rs184419827, ClinGen allele CA3136123.

ClinVar aggregate classification (germline): Likely benign. Review status: criteria provided, single submitter (1 of 4 stars). 2 submissions from 2 submitters: Likely benign (1). 1 of the submissions does not count toward it. Last evaluated 2022-09-05.

Conditions:
PALLD-related disorder. Also called: PALLD-related condition.

Allele frequency attached by ClinVar (database versions not stated): gnomAD 0.00003; gnomAD exomes 0.00003; ExAC 0.00012; 1000 Genomes Project 0.00020; TOPMed 0.00005; 1000 Genomes Project 30x 0.00031.
gnomAD v4.1: 43 of 1,608,644 alleles (0.0027%); highest among the groups gnomAD compares: East Asian, 0.062%; no homozygotes.

Submissions (2):

Ambry Genetics
Classification: Likely benign. Last evaluated: 2022-09-05. Review status: criteria provided, single submitter. Criteria: Ambry Variant Classification Scheme 2023. Collection method: clinical testing. Allele origin: germline.

PreventionGenetics, part of Exact Sciences
Classification: Likely benign for PALLD-related condition. Last evaluated: 2023-03-08. Review status: no assertion criteria provided. Collection method: clinical testing. Allele origin: germline. Not counted in ClinVar's aggregate classification.
Comment: This variant is classified as likely benign based on ACMG/AMP sequence variant interpretation guidelines (Richards et al. 2015 PMID: 25741868, with internal and published modifications).